The following is an entry in ClinVar:

ClinVar aggregate classification (germline): Benign/Likely benign. Review status: criteria provided, multiple submitters, no conflicts (2 of 4 stars). 3 submissions from 3 submitters: Benign (1); Likely benign (2). Last evaluated 2026-08-15.

Conditions:
Gastrointestinal stromal tumor. Also called: Gastrointestinal stroma tumor; Gastrointestinal stromal tumor, somatic. Identifiers: Orphanet 44890, MedGen C0238198, MeSH D046152, MONDO:0011719, OMIM 606764, HP:0100723.
Hereditary cancer-predisposing syndrome. Also called: Hereditary Cancer Syndrome; Hereditary neoplastic syndrome; Neoplastic Syndromes, Hereditary; Tumor predisposition. Identifiers: Orphanet 140162, MedGen C0027672, MeSH D009386, MONDO:0015356.

gnomAD v4.1: 1 of 1,613,688 alleles (0.000062%); highest among the groups gnomAD compares: African/African-American, 0.0013%; no homozygotes.

Submissions (3):

Ambry Genetics
Classification: Likely benign for Hereditary cancer-predisposing syndrome. Last evaluated: 2026-08-15. Review status: criteria provided, single submitter. Criteria: Ambry Variant Classification Scheme 2023. Collection method: clinical testing. Allele origin: germline.

Myriad Genetics, Inc.
Classification: Benign for Gastrointestinal stromal tumor. Last evaluated: 2026-06-04. Review status: criteria provided, single submitter. Criteria: Myriad Autosomal Dominant, Autosomal Recessive and X-Linked Classification Criteria (2023). Collection method: clinical testing. Allele origin: unknown.
Comment: This variant is considered benign. This variant is a silent/synonymous amino acid change and it is not expected to impact splicing.

Labcorp Genetics (formerly Invitae), Labcorp
Classification: Likely benign for Gastrointestinal stromal tumor. Last evaluated: 2025-05-04. Review status: criteria provided, single submitter. Criteria: Invitae Variant Classification Sherloc (09022015). Collection method: clinical testing. Allele origin: germline.

NM_000222.3(KIT):c.2331A>G (p.Ala777=)

Gene: KIT (KIT proto-oncogene, receptor tyrosine kinase; plus strand). Cytogenetic location: 4q12.
Variant type: single nucleotide variant.
Coding change: c.2331A>G on transcript NM_000222.3 (MANE Select); coding-DNA position 2331, A replaced by G.
Protein change: p.Ala777=; no amino-acid change (alanine 777 retained).
Molecular consequence: synonymous variant.
Genome position (GRCh38, 1-based): chr4:54,731,968, A>G. VCF-style: chr4-54731968-A-G. GRCh37 (hg19) VCF-style: chr4-55598134-A-G.
Other names: c.2319A>G, p.Ala773= (NM_001093772.2, NM_001385292.1); c.2334A>G, p.Ala778= (NM_001385284.1); c.2328A>G, p.Ala776= (NM_001385285.1); c.2316A>G, p.Ala772= (NM_001385286.1); c.2322A>G, p.Ala774= (NM_001385288.1); c.2331A>G, p.Ala777= (NM_001385290.1).
Identifiers: ClinVar variation 4747613 (VCV004747613.3).